The following is an entry in ClinVar:

ClinVar aggregate classification (germline): Pathogenic/Likely pathogenic. Review status: criteria provided, multiple submitters, no conflicts (2 of 4 stars). 2 submissions from 2 submitters: Pathogenic (1); Likely pathogenic (1). Last evaluated 2022-04-07.

Conditions:
COL9A1-related disorder. Also called: COL9A1-related disorders; COL9A1-related condition.

Allele frequency attached by ClinVar (database versions not stated): gnomAD exomes below 0.00001; gnomAD 0.00001.
gnomAD v4.1: 2 of 1,614,008 alleles (0.00012%); highest among the groups gnomAD compares: Non-Finnish European, 0.00017%; no homozygotes.

Submissions (2):

Labcorp Genetics (formerly Invitae), Labcorp
Classification: Pathogenic. Last evaluated: 2022-04-07. Review status: criteria provided, single submitter. Criteria: Invitae Variant Classification Sherloc (09022015). Collection method: clinical testing. Allele origin: germline.
Comment: This sequence change creates a premature translational stop signal (p.Lys139*) in the COL9A1 gene. It is expected to result in an absent or disrupted protein product. Loss-of-function variants in COL9A1 are known to be pathogenic (PMID: 16909383, 21421862). This variant is present in population databases (no rsID available, gnomAD 0.002%). This variant has not been reported in the literature in individuals affected with COL9A1-related conditions. Algorithms developed to predict the effect of sequence changes on RNA splicing suggest that this variant may disrupt the consensus splice site. For these reasons, this variant has been classified as Pathogenic.

Blueprint Genetics
Classification: Likely pathogenic for COL9A1-related disorders. Last evaluated: 2019-05-20. Review status: criteria provided, single submitter. Criteria: ACMG Guidelines, 2015. Collection method: clinical testing. Allele origin: germline. Affected: yes. Observed: 1 variant allele.

Literature cited by the submitters: PubMed 16909383 (cited by Labcorp Genetics (formerly Invitae), Labcorp); PubMed 21421862 (cited by Labcorp Genetics (formerly Invitae), Labcorp).

NM_001851.6(COL9A1):c.415A>T (p.Lys139Ter)

Gene: COL9A1 (collagen type IX alpha 1 chain; minus strand). Cytogenetic location: 6q13.
Variant type: single nucleotide variant.
Coding change: c.415A>T on transcript NM_001851.6 (MANE Select); coding-DNA position 415, A replaced by T.
Protein change: p.Lys139Ter; replaces lysine 139 with a stop codon.
Molecular consequence: nonsense.
Genome position (GRCh38, 1-based): chr6:70,294,448, T>A on the plus strand (A>T on the coding strand, the complement: COL9A1 is on the minus strand). VCF-style: chr6-70294448-T-A. GRCh37 (hg19) VCF-style: chr6-71004151-T-A.
Other names: c.415A>T, p.Lys139Ter (NM_001377291.1); short protein forms K139*.
Identifiers: ClinVar variation 2122556 (VCV002122556.5), dbSNP rs1187047204, ClinGen allele CA364671573.